The following is an entry in ClinVar:

ClinVar aggregate classification (germline): Uncertain significance. Review status: criteria provided, multiple submitters, no conflicts (2 of 4 stars). 3 submissions from 3 submitters: Uncertain significance (3). Last evaluated 2025-08-20.

Conditions:
Megaconial type congenital muscular dystrophy (MDCMC). Also called: MUSCULAR DYSTROPHY, CONGENITAL, WITH MITOCHONDRIAL STRUCTURAL ABNORMALITIES; CHKB-Related Muscular Dystrophy; CHKB-Related Muscle Diseases. Identifiers: Orphanet 280671, MedGen C1865233, MONDO:0011246, OMIM 602541.

Allele frequency attached by ClinVar (database versions not stated): ExAC 0.00006; gnomAD 0.00006 and 0.00008; gnomAD exomes 0.00007; TOPMed 0.00009; 1000 Genomes Project 0.00060; 1000 Genomes Project 30x 0.00062.

Submissions (3):

Mayo Clinic Laboratories, Mayo Clinic
Classification: Uncertain significance. Last evaluated: 2025-08-20. Review status: criteria provided, single submitter. Criteria: ACMG Guidelines, 2015. Collection method: clinical testing. Allele origin: germline. Observed: 1 variant allele.
Comment: PM2_supporting

Revvity Omics, Revvity
Classification: Uncertain significance for Megaconial type congenital muscular dystrophy. Last evaluated: 2025-05-08. Review status: criteria provided, single submitter. Criteria: ACMG Guidelines, 2015. Collection method: clinical testing. Allele origin: germline.

Labcorp Genetics (formerly Invitae), Labcorp
Classification: Uncertain significance for Megaconial type congenital muscular dystrophy. Last evaluated: 2024-06-03. Review status: criteria provided, single submitter. Criteria: Invitae Variant Classification Sherloc (09022015). Collection method: clinical testing. Allele origin: germline.
Comment: This sequence change replaces valine, which is neutral and non-polar, with isoleucine, which is neutral and non-polar, at codon 237 of the CHKB protein (p.Val237Ile). This variant is present in population databases (rs184254424, gnomAD 0.04%). This variant has not been reported in the literature in individuals affected with CHKB-related conditions. ClinVar contains an entry for this variant (Variation ID: 951376). Advanced modeling of protein sequence and biophysical properties (such as structural, functional, and spatial information, amino acid conservation, physicochemical variation, residue mobility, and thermodynamic stability) has been performed at Invitae for this missense variant, however the output from this modeling did not meet the statistical confidence thresholds required to predict the impact of this variant on CHKB protein function. In summary, the available evidence is currently insufficient to determine the role of this variant in disease. Therefore, it has been classified as a Variant of Uncertain Significance.

NM_005198.5(CHKB):c.709G>A (p.Val237Ile)

Genes: CHKB (choline kinase beta; minus strand), CHKB-CPT1B (CHKB-CPT1B readthrough (NMD candidate); minus strand). Cytogenetic location: 22q13.33.
Variant type: single nucleotide variant.
Coding change: c.709G>A on transcript NM_005198.5 (MANE Select); coding-DNA position 709, G replaced by A.
Protein change: p.Val237Ile; replaces valine 237 with isoleucine.
Molecular consequence: missense variant. On other transcripts: non-coding transcript variant (1).
Genome position (GRCh38, 1-based): chr22:50,580,385, C>T on the plus strand (G>A on the coding strand, the complement: CHKB is on the minus strand). VCF-style: chr22-50580385-C-T. GRCh37 (hg19) VCF-style: chr22-51018814-C-T.
Other names: p.Val237Ile; short protein forms V237I.
Identifiers: ClinVar variation 951376 (VCV000951376.11), dbSNP rs184254424, ClinGen allele CA10323670.